The following is an entry in ClinVar:

ClinVar aggregate classification (germline): Uncertain significance. Review status: criteria provided, multiple submitters, no conflicts (2 of 4 stars). 2 submissions from 2 submitters: Uncertain significance (2). Last evaluated 2025-08-18.

Conditions:
Inborn genetic diseases. Identifiers: MedGen C0950123, MeSH D030342.

gnomAD v4.1: 4 of 1,613,336 alleles (0.00025%); highest among the groups gnomAD compares: African/African-American, 0.0053%; no homozygotes.

Submissions (2):

Labcorp Genetics (formerly Invitae), Labcorp
Classification: Uncertain significance. Last evaluated: 2025-08-18. Review status: criteria provided, single submitter. Criteria: Invitae Variant Classification Sherloc (09022015). Collection method: clinical testing. Allele origin: germline.
Comment: This sequence change replaces proline, which is neutral and non-polar, with threonine, which is neutral and polar, at codon 165 of the RHBDF2 protein (p.Pro165Thr). This variant is not present in population databases (gnomAD no frequency). This variant has not been reported in the literature in individuals affected with RHBDF2-related conditions. ClinVar contains an entry for this variant (Variation ID: 3433090). An algorithm developed to predict the effect of missense changes on protein structure and function (PolyPhen-2) suggests that this variant is likely to be tolerated. In summary, the available evidence is currently insufficient to determine the role of this variant in disease. Therefore, it has been classified as a Variant of Uncertain Significance.

Ambry Genetics
Classification: Uncertain significance for Inborn genetic diseases. Last evaluated: 2024-08-28. Review status: criteria provided, single submitter. Criteria: Ambry Variant Classification Scheme 2023. Collection method: clinical testing. Allele origin: germline.

NM_001005498.4(RHBDF2):c.406C>A (p.Pro136Thr)

Gene: RHBDF2 (rhomboid 5 homolog 2; minus strand). Cytogenetic location: 17q25.1.
Variant type: single nucleotide variant.
Coding change: c.406C>A on transcript NM_001005498.4 (MANE Select); coding-DNA position 406, C replaced by A.
Protein change: p.Pro136Thr; replaces proline 136 with threonine.
Molecular consequence: missense variant. On other transcripts: non-coding transcript variant (3).
Genome position (GRCh38, 1-based): chr17:76,479,144, G>T on the plus strand (C>A on the coding strand, the complement: RHBDF2 is on the minus strand). VCF-style: chr17-76479144-G-T. GRCh37 (hg19) VCF-style: chr17-74475226-G-T.
Other names: c.406C>A, p.Pro136Thr (NM_001376228.1, NM_001376229.1, NM_001376230.1); c.493C>A, p.Pro165Thr (NM_024599.5); short protein forms P136T, P165T.
Identifiers: ClinVar variation 3433090 (VCV003433090.3).
Genomic context (GRCh38, chr17:76,479,144, plus strand): 5'-TGGGCATCTTGCAGGGCTTTGGGGACTCAGTGCCCTGGAAGGACGGTGCCTCCTGGCTGG[G>T]GAGCTCCAGGTCACGCTGGCACGAGGCCTTCAGGCGGCCGTAGCGCATGCTGCAGTGGTG-3'
Protein context (NP_001005498.2, residues 126-146): KASCQRDLEL[Pro136Thr]SQEAPSFQGT